The following is an entry in ClinVar:

ClinVar aggregate classification (germline): Uncertain significance (1 of 4 stars; one submission).

Conditions:
Congenital glaucoma. Identifiers: MedGen C0020302, MONDO:0020366.

Submission:

Labcorp Genetics (formerly Invitae), Labcorp
Classification: Uncertain significance for Congenital glaucoma. Last evaluated: 2026-01-25. Review status: criteria provided, single submitter. Criteria: Invitae Variant Classification Sherloc (09022015). Collection method: clinical testing. Allele origin: germline.
Comment: This sequence change replaces aspartic acid, which is acidic and polar, with histidine, which is basic and polar, at codon 441 of the CYP1B1 protein (p.Asp441His). This variant is not present in population databases (gnomAD no frequency). This variant has not been reported in the literature in individuals affected with CYP1B1-related conditions. Invitae Evidence Modeling of protein sequence and biophysical properties (such as structural, functional, and spatial information, amino acid conservation, physicochemical variation, residue mobility, and thermodynamic stability) indicates that this missense variant is not expected to disrupt CYP1B1 protein function with a negative predictive value of 80%. In summary, the available evidence is currently insufficient to determine the role of this variant in disease. Therefore, it has been classified as a Variant of Uncertain Significance.

NM_000104.4(CYP1B1):c.1321G>C (p.Asp441His)

Genes: CYP1B1 (cytochrome P450 family 1 subfamily B member 1; minus strand), LOC128772254 (melanoma risk locus-associated MPRA allelic enhancer 2:38298139; plus strand). Cytogenetic location: 2p22.2.
Variant type: single nucleotide variant.
Coding change: c.1321G>C on transcript NM_000104.4 (MANE Select); coding-DNA position 1321, G replaced by C.
Protein change: p.Asp441His; replaces aspartic acid 441 with histidine.
Molecular consequence: missense variant.
Genome position (GRCh38, 1-based): chr2:38,071,033, C>G on the plus strand (G>C on the coding strand, the complement: CYP1B1 is on the minus strand). VCF-style: chr2-38071033-C-G. GRCh37 (hg19) VCF-style: chr2-38298176-C-G.
Other names: short protein forms D441H.
Identifiers: ClinVar variation 4722619 (VCV004722619.1).
Genomic context (GRCh38, chr2:38,071,033, plus strand): 5'-TCACTCTGCTGGTCAGGTCCTTGTTGATGAGGCCATCCTTGTCCAAGAATCGAGCTGGAT[C>G]AAAGTTCTCCGGGTTAGGCCACTTCAGTGGGTCATGATTCACAGACCACTGGTTGACAAA-3'
Protein context (NP_000095.2, residues 431-451): PLKWPNPENF[Asp441His]PARFLDKDGL